The following is an entry in ClinVar:

NM_000260.4(MYO7A):c.2219G>C (p.Arg740Pro)

Gene: MYO7A (myosin VIIA; plus strand). Cytogenetic location: 11q13.5.
Variant type: single nucleotide variant.
Coding change: c.2219G>C on transcript NM_000260.4 (MANE Select); coding-DNA position 2219, G replaced by C.
Protein change: p.Arg740Pro; replaces arginine 740 with proline.
Molecular consequence: missense variant.
Genome position (GRCh38, 1-based): chr11:77,177,580, G>C. VCF-style: chr11-77177580-G-C. GRCh37 (hg19) VCF-style: chr11-76888626-G-C.
Other names: c.2219G>C, p.Arg740Pro (NM_001127180.2); c.2186G>C, p.Arg729Pro (NM_001369365.1); short protein forms R740P, R729P.
Identifiers: ClinVar variation 418367 (VCV000418367.2), dbSNP rs782276748, ClinGen allele CA16619411.

ClinVar aggregate classification (germline): Likely pathogenic (1 of 4 stars; one submission).

Submission:

GeneDx
Classification: Likely pathogenic. Last evaluated: 2013-04-17. Review status: criteria provided, single submitter. Criteria: GeneDx Variant Classification (06012015). Collection method: clinical testing. Allele origin: germline. Affected: yes.
Comment: The R740P missense change in the MYO7A gene has not been reported as a pathogenic variant or as a benign polymorphism to our knowledge. The R740P amino acid substitution is non-conservative with a positively charged and polar residue (Arg) being replaced by a neutral and non-polar residue (Pro). Furthermore, the addition of a Proline residue with its unique structure may affect the structure of the protein. The residue at which this substitution occurs is well conserved in the myosin VIIA protein. The R740P variant was not observed in approximately 6,300 individuals of European and African American ancestry in an external variant database, indicating it is not a common benign variant in these populations. Therefore, R740P is a strong candidate for a pathogenic variant, although the possibility that it is a benign polymorphism cannot be excluded.